The following is an entry in ClinVar:

ClinVar aggregate classification (germline): Likely benign. Review status: criteria provided, multiple submitters, no conflicts (2 of 4 stars). 2 submissions from 2 submitters: Likely benign (2). Last evaluated 2025-12-01.

Allele frequency attached by ClinVar (database versions not stated): gnomAD exomes below 0.00001; TOPMed below 0.00001; ExAC 0.00001; gnomAD 0.00001.

Submissions (2):

CeGaT Center for Human Genetics Tuebingen
Classification: Likely benign. Last evaluated: 2025-12-01. Review status: criteria provided, single submitter. Criteria: CeGaT Center For Human Genetics Tuebingen Variant Classification Criteria Version 2. Collection method: clinical testing. Allele origin: germline. Affected: yes. Observed: 1 variant allele.
Comment: NSUN2: BP4, BP7

Labcorp Genetics (formerly Invitae), Labcorp
Classification: Likely benign. Last evaluated: 2022-07-12. Review status: criteria provided, single submitter. Criteria: Invitae Variant Classification Sherloc (09022015). Collection method: clinical testing. Allele origin: germline.

NM_017755.6(NSUN2):c.513C>G (p.Leu171=)

Gene: NSUN2 (NOP2/Sun RNA methyltransferase 2; minus strand). Cytogenetic location: 5p15.31.
Variant type: single nucleotide variant.
Coding change: c.513C>G on transcript NM_017755.6 (MANE Select); coding-DNA position 513, C replaced by G.
Protein change: p.Leu171=; no amino-acid change (leucine 171 retained).
Molecular consequence: synonymous variant. On other transcripts: non-coding transcript variant (1).
Genome position (GRCh38, 1-based): chr5:6,623,238, G>C on the plus strand (C>G on the coding strand, the complement: NSUN2 is on the minus strand). VCF-style: chr5-6623238-G-C. GRCh37 (hg19) VCF-style: chr5-6623351-G-C.
Other names: c.408C>G, p.Leu136= (NM_001193455.2).
Identifiers: ClinVar variation 1532387 (VCV001532387.13), dbSNP rs746547196, ClinGen allele CA3192761.